The following is an entry in ClinVar:

ClinVar aggregate classification (germline): Uncertain significance (1 of 4 stars; one submission).

Conditions:
Hereditary breast ovarian cancer syndrome. Also called: Hereditary breast and ovarian cancer syndrome; Hereditary breast and ovarian cancer syndrome (HBOC); BRCA1- and BRCA2-Associated Hereditary Breast and Ovarian Cancer; Hereditary breast and ovarian cancer; Breast and ovarian cancer; Hereditary breast and/or ovarian cancer syndrome. Identifiers: Orphanet 145, MedGen C0677776, MeSH D061325, MONDO:0003582. Disease mechanism: loss of function.

Submission:

Labcorp Genetics (formerly Invitae), Labcorp
Classification: Uncertain significance for Hereditary breast ovarian cancer syndrome. Last evaluated: 2024-05-23. Review status: criteria provided, single submitter. Criteria: Invitae Variant Classification Sherloc (09022015). Collection method: clinical testing. Allele origin: germline.
Comment: This sequence change replaces asparagine, which is neutral and polar, with lysine, which is basic and polar, at codon 3024 of the BRCA2 protein (p.Asn3024Lys). This variant is not present in population databases (gnomAD no frequency). This variant has not been reported in the literature in individuals affected with BRCA2-related conditions. Advanced modeling of protein sequence and biophysical properties (such as structural, functional, and spatial information, amino acid conservation, physicochemical variation, residue mobility, and thermodynamic stability) performed at Invitae indicates that this missense variant is not expected to disrupt BRCA2 protein function with a negative predictive value of 95%. In summary, the available evidence is currently insufficient to determine the role of this variant in disease. Therefore, it has been classified as a Variant of Uncertain Significance.

NM_000059.4(BRCA2):c.9072C>A (p.Asn3024Lys)

Gene: BRCA2 (BRCA2 DNA repair associated; plus strand). Cytogenetic location: 13q13.1.
Variant type: single nucleotide variant.
Coding change: c.9072C>A on transcript NM_000059.4 (MANE Select); coding-DNA position 9072, C replaced by A.
Protein change: p.Asn3024Lys; replaces asparagine 3024 with lysine.
Molecular consequence: missense variant. On other transcripts: non-coding transcript variant (1).
Genome position (GRCh38, 1-based): chr13:32,379,868, C>A. VCF-style: chr13-32379868-C-A. GRCh37 (hg19) VCF-style: chr13-32954005-C-A.
Other names: c.8976C>A, p.Asn2992Lys (NM_001406719.1); c.9021C>A, p.Asn3007Lys (NM_001406720.1); c.4140C>A, p.Asn1380Lys (NM_001406721.1); c.2655C>A, p.Asn885Lys (NM_001406722.1); c.9072C>A, p.Asn3024Lys (NM_001432077.1); short protein forms N3024K, N885K, N1380K, N2992K, N3007K.
Identifiers: ClinVar variation 3636553 (VCV003636553.2).
Genomic context (GRCh38, chr13:32,379,868, plus strand): 5'-GAGATACAGAATTTATCATCTTGCAACTTCAAAATCTAAAAGTAAATCTGAAAGAGCTAA[C>A]ATACAGTTAGCAGCGACAAAAAAAACTCAGTATCAACAACTACCGGTACAAACCTTTCAT-3'
Protein context (NP_000050.3, residues 3014-3034): SKSKSKSERA[Asn3024Lys]IQLAATKKTQ